The following is an entry in ClinVar:

NM_015662.3(IFT172):c.4755+9G>A

Genes: IFT172 (intraflagellar transport 172; minus strand), KRTCAP3 (keratinocyte associated protein 3; plus strand). Cytogenetic location: 2p23.3.
Variant type: single nucleotide variant.
Coding change: c.4755+9G>A on transcript NM_015662.3 (MANE Select); 9 bases into the intron after coding-DNA position 4755, G replaced by A.
Molecular consequence: intron variant.
Genome position (GRCh38, 1-based): chr2:27,446,251, C>T on the plus strand (G>A on the coding strand, the complement: IFT172 is on the minus strand). VCF-style: chr2-27446251-C-T. GRCh37 (hg19) VCF-style: chr2-27669118-C-T.
Other names: c.*6-50C>T (NM_001168364.2); c.4689+9G>A (NM_001410739.1).
Identifiers: ClinVar variation 1158965 (VCV001158965.11), dbSNP rs375261962, ClinGen allele CA1579505.
Genomic context (GRCh38, chr2:27,446,251, plus strand): 5'-GAAGGGATATTCTATTTTCCAACCTTTAACTTCCTCCTATCTGCCCCACCCTTCCTTGTC[C>T]CAGCTCACCTTGGCAGCAATGCCTGCTTCATAGAAGGCTTTGTCTACAGGTAGTAGCTGG-3'

ClinVar aggregate classification (germline): Likely benign. Review status: criteria provided, multiple submitters, no conflicts (2 of 4 stars). 2 submissions from 2 submitters: Likely benign (2). Last evaluated 2025-02-13.

Conditions:
Short-rib thoracic dysplasia 10 with or without polydactyly (SRTD10). Identifiers: Orphanet 474, MedGen C3810175, MONDO:0014284, OMIM 615630.
Retinitis pigmentosa 71 (RP71). Identifiers: Orphanet 791, MedGen C4225342, MONDO:0014618, OMIM 616394.
IFT172-related disorder. Also called: IFT172-related condition; IFT172-related disorders.

gnomAD v4.1: 74 of 1,613,612 alleles (0.0046%); highest among the groups gnomAD compares: Non-Finnish European, 0.0062%; no homozygotes.

Submissions (2):

Labcorp Genetics (formerly Invitae), Labcorp
Classification: Likely benign for Retinitis pigmentosa 71; Short-rib thoracic dysplasia 10 with or without polydactyly. Last evaluated: 2025-02-13. Review status: criteria provided, single submitter. Criteria: Invitae Variant Classification Sherloc (09022015). Collection method: clinical testing. Allele origin: germline.

PreventionGenetics, part of Exact Sciences
Classification: Likely benign for IFT172-related condition. Last evaluated: 2025-01-04. Review status: criteria provided, single submitter. Criteria: ACMG Guidelines, 2015. Collection method: clinical testing. Allele origin: germline.
Comment: This variant is classified as likely benign based on ACMG/AMP sequence variant interpretation guidelines (Richards et al. 2015 PMID: 25741868, with internal and published modifications).